The following is an entry in ClinVar:

NM_000384.3(APOB):c.12863A>T (p.Gln4288Leu)

Gene: APOB (apolipoprotein B; minus strand). Cytogenetic location: 2p24.1.
Variant type: single nucleotide variant.
Coding change: c.12863A>T on transcript NM_000384.3 (MANE Select); coding-DNA position 12863, A replaced by T.
Protein change: p.Gln4288Leu; replaces glutamine 4288 with leucine.
Molecular consequence: missense variant.
Genome position (GRCh38, 1-based): chr2:21,002,559, T>A on the plus strand (A>T on the coding strand, the complement: APOB is on the minus strand). VCF-style: chr2-21002559-T-A. GRCh37 (hg19) VCF-style: chr2-21225431-T-A.
Other names: short protein forms Q4288L.
Identifiers: ClinVar variation 1768965 (VCV001768965.2), dbSNP rs764903010, ClinGen allele CA051358.

ClinVar aggregate classification (germline): Uncertain significance (1 of 4 stars; one submission).

Conditions:
Cardiovascular phenotype. Identifiers: MedGen CN230736.

Allele frequency attached by ClinVar (database versions not stated): ExAC 0.00001.
gnomAD v4.1: 3 of 1,614,094 alleles (0.00019%); highest among the groups gnomAD compares: Non-Finnish European, 0.00025%; no homozygotes.

Submission:

Ambry Genetics
Classification: Uncertain significance for Cardiovascular phenotype. Last evaluated: 2021-11-24. Review status: criteria provided, single submitter. Criteria: Ambry Variant Classification Scheme 2023. Collection method: clinical testing. Allele origin: germline.
Comment: The p.Q4288L variant (also known as c.12863A>T), located in coding exon 29 of the APOB gene, results from an A to T substitution at nucleotide position 12863. The glutamine at codon 4288 is replaced by leucine, an amino acid with dissimilar properties. This amino acid position is conserved. In addition, this alteration is predicted to be tolerated by in silico analysis. Since supporting evidence is limited at this time, the clinical significance of this alteration remains unclear.